The following is an entry in ClinVar:

NM_015335.5(MED13L):c.5973T>G (p.Ala1991=)

Gene: MED13L (mediator complex subunit 13L; minus strand). Cytogenetic location: 12q24.21.
Variant type: single nucleotide variant.
Coding change: c.5973T>G on transcript NM_015335.5 (MANE Select); coding-DNA position 5973, T replaced by G.
Protein change: p.Ala1991=; no amino-acid change (alanine 1991 retained).
Molecular consequence: synonymous variant.
Genome position (GRCh38, 1-based): chr12:115,970,688, A>C on the plus strand (T>G on the coding strand, the complement: MED13L is on the minus strand). VCF-style: chr12-115970688-A-C. GRCh37 (hg19) VCF-style: chr12-116408493-A-C.
Identifiers: ClinVar variation 2643358 (VCV002643358.24), dbSNP rs2499969727, ClinGen allele CA481943202.

ClinVar aggregate classification (germline): Likely benign (1 of 4 stars; one submission).

Submission:

CeGaT Center for Human Genetics Tuebingen
Classification: Likely benign. Last evaluated: 2022-05-01. Review status: criteria provided, single submitter. Criteria: CeGaT Center For Human Genetics Tuebingen Variant Classification Criteria Version 2. Collection method: clinical testing. Allele origin: germline. Affected: yes. Observed: 2 variant alleles.
Comment: MED13L: PM2:Supporting, BP4, BP7